The following is an entry in ClinVar:

ClinVar aggregate classification (germline): Pathogenic. Review status: criteria provided, multiple submitters, no conflicts (2 of 4 stars). 4 submissions from 4 submitters: Pathogenic (4). Last evaluated 2025-05-01.

Conditions:
Neurofibromatosis, type 1 (NF1). Also called: Peripheral type neurofibromatosis; NEUROFIBROMATOSIS, TYPE I, SOMATIC; VON RECKLINGHAUSEN DISEASE; Neurofibromatosis, type I. Identifiers: Orphanet 636, MedGen C0027831, MONDO:0018975, OMIM 162200. Disease mechanism: loss of function.

Submissions (4):

CeGaT Center for Human Genetics Tuebingen
Classification: Pathogenic. Last evaluated: 2025-05-01. Review status: criteria provided, single submitter. Criteria: CeGaT Center For Human Genetics Tuebingen Variant Classification Criteria Version 2. Collection method: clinical testing. Allele origin: germline. Affected: yes. Observed: 1 variant allele.
Comment: NF1: PVS1, PM2, PS4:Supporting

Labcorp Genetics (formerly Invitae), Labcorp
Classification: Pathogenic for Neurofibromatosis, type 1. Last evaluated: 2023-03-13. Review status: criteria provided, single submitter. Criteria: Invitae Variant Classification Sherloc (09022015). Collection method: clinical testing. Allele origin: germline.
Comment: For these reasons, this variant has been classified as Pathogenic. Algorithms developed to predict the effect of sequence changes on RNA splicing suggest that this variant may create or strengthen a splice site. ClinVar contains an entry for this variant (Variation ID: 439974). This premature translational stop signal has been observed in individual(s) with NF1-related conditions (PMID: 21520333). This variant is not present in population databases (gnomAD no frequency). This sequence change creates a premature translational stop signal (p.Arg1026*) in the NF1 gene. It is expected to result in an absent or disrupted protein product. Loss-of-function variants in NF1 are known to be pathogenic (PMID: 10712197, 23913538).

Genome-Nilou Lab
Classification: Pathogenic for Neurofibromatosis, type 1. Last evaluated: 2022-03-15. Review status: criteria provided, single submitter. Criteria: ACMG Guidelines, 2015. Collection method: clinical testing. Allele origin: germline. Affected: no.

ARUP Laboratories, Molecular Genetics and Genomics, ARUP Laboratories
Classification: Pathogenic. Last evaluated: 2016-09-14. Review status: criteria provided, single submitter. Criteria: ARUP Molecular Germline Variant Investigation Process. Collection method: clinical testing. Allele origin: germline.

Literature cited by the submitters: PubMed 21520333 (cited by Labcorp Genetics (formerly Invitae), Labcorp); PubMed 10712197 (cited by Labcorp Genetics (formerly Invitae), Labcorp); PubMed 23913538 (cited by Labcorp Genetics (formerly Invitae), Labcorp).

NM_001042492.3(NF1):c.3076A>T (p.Arg1026Ter)

Gene: NF1 (neurofibromin 1; plus strand). Cytogenetic location: 17q11.2.
Variant type: single nucleotide variant.
Coding change: c.3076A>T on transcript NM_001042492.3 (MANE Select); coding-DNA position 3076, A replaced by T.
Protein change: p.Arg1026Ter; replaces arginine 1026 with a stop codon.
Molecular consequence: nonsense.
Genome position (GRCh38, 1-based): chr17:31,230,345, A>T. VCF-style: chr17-31230345-A-T. GRCh37 (hg19) VCF-style: chr17-29557363-A-T.
Other names: c.3076A>T, p.Arg1026Ter (NM_000267.4); short protein forms R1026*.
Identifiers: ClinVar variation 439974 (VCV000439974.24), dbSNP rs1555614529, ClinGen allele CA398987492.